The following is an entry in ClinVar:

NM_004826.4(ECEL1):c.590G>A (p.Gly197Asp)

Gene: ECEL1 (endothelin converting enzyme like 1; minus strand). Cytogenetic location: 2q37.1.
Variant type: single nucleotide variant.
Coding change: c.590G>A on transcript NM_004826.4 (MANE Select); coding-DNA position 590, G replaced by A.
Protein change: p.Gly197Asp; replaces glycine 197 with aspartic acid.
Molecular consequence: missense variant.
Genome position (GRCh38, 1-based): chr2:232,486,064, C>T on the plus strand (G>A on the coding strand, the complement: ECEL1 is on the minus strand). VCF-style: chr2-232486064-C-T. GRCh37 (hg19) VCF-style: chr2-233350774-C-T.
Other names: c.590G>A, p.Gly197Asp (NM_001290787.2); c.590G>A (NM_004826.3); short protein forms G197D.
Identifiers: ClinVar variation 39493 (VCV000039493.4), dbSNP rs587776921, ClinGen allele CA130336.

ClinVar aggregate classification (germline): Conflicting classifications of pathogenicity. Review status: criteria provided, conflicting classifications (1 of 4 stars). 3 submissions from 3 submitters: Pathogenic (1); Uncertain significance (1). 1 of the submissions does not count toward it. Last evaluated 2024-12-18.

Conditions:
ECEL1-related disorder. Also called: ECEL1-related condition.
Distal arthrogryposis type 5D (DA5D). Identifiers: Orphanet 329457, MedGen C3554415, MONDO:0014028, OMIM 615065.

Allele frequency attached by ClinVar (database versions not stated): TOPMed 0.00001; gnomAD 0.00002.

Submissions (3):

PreventionGenetics, part of Exact Sciences
Classification: Pathogenic for ECEL1-related condition. Last evaluated: 2024-12-18. Review status: criteria provided, single submitter. Criteria: ACMG Guidelines, 2015. Collection method: clinical testing. Allele origin: germline.
Comment: The ECEL1 c.590G>A variant is predicted to result in the amino acid substitution p.Gly197Asp. This variant was reported in the compound heterozygous state with a potentially pathogenic missense variant in an individual with distal arthrogryposis (McMillin et al. 2013. PubMed ID: 23261301) and in the compound heterozygous state along with a truncating variant in a patient with cleft palate (Table S4, Wilson et al. 2023. PubMed ID: 37010288). An alternative amino acid substitution at this position (p.Gly197Ser) has been reported as pathogenic (Ullmann et al. 2018. PubMed ID: 30131190; Ravenscroft et al. 2020. PubMed ID: 33060286). This variant is reported in 0.00087% of alleles in individuals of European (Non-Finnish) descent in gnomAD. This variant is interpreted as likely pathogenic.

GeneDx
Classification: Uncertain significance. Last evaluated: 2019-10-31. Review status: criteria provided, single submitter. Criteria: GeneDx Variant Classification Process June 2021. Collection method: clinical testing. Allele origin: germline. Affected: yes.
Comment: Identified in a patient with clinical features consistent with distal arthrogryposis 5D in published literature (McMillin et al., 2013); Not observed at a significant frequency in large population cohorts (Lek et al., 2016); In silico analysis, which includes protein predictors and evolutionary conservation, supports a deleterious effect; This variant is associated with the following publications: (PMID: 25173900, 25708584, 23261301)

OMIM
Classification: Pathogenic for ARTHROGRYPOSIS, DISTAL, TYPE 5D. Last evaluated: 2013-01-10. Review status: no assertion criteria provided. Collection method: literature only. Allele origin: germline. Not counted in ClinVar's aggregate classification.

Literature cited by the submitters: PubMed 23261301 (cited by OMIM).